The following is an entry in ClinVar:

NM_145725.3(TRAF3):c.260A>C (p.Lys87Thr)

Gene: TRAF3 (TNF receptor associated factor 3; plus strand). Cytogenetic location: 14q32.32.
Variant type: single nucleotide variant.
Coding change: c.260A>C on transcript NM_145725.3 (MANE Select); coding-DNA position 260, A replaced by C.
Protein change: p.Lys87Thr; replaces lysine 87 with threonine.
Molecular consequence: missense variant.
Genome position (GRCh38, 1-based): chr14:102,871,931, A>C. VCF-style: chr14-102871931-A-C. GRCh37 (hg19) VCF-style: chr14-103338268-A-C.
Other names: c.260A>C, p.Lys87Thr (NM_001199427.2, NM_001385142.1, NM_001385143.1 and 2 more transcripts); short protein forms K87T.
Identifiers: ClinVar variation 1434573 (VCV001434573.6), dbSNP rs2139835799, ClinGen allele CA391070075.

ClinVar aggregate classification (germline): Uncertain significance (1 of 4 stars; one submission).

Conditions:
Immunodeficiency 132A. Also called: Herpes simplex encephalitis, susceptibility to, 3. Identifiers: Orphanet 1930, MedGen C3553868, MONDO:0013920, OMIM 614849.

Submission:

Labcorp Genetics (formerly Invitae), Labcorp
Classification: Uncertain significance for Immunodeficiency 132A. Last evaluated: 2022-06-05. Review status: criteria provided, single submitter. Criteria: Invitae Variant Classification Sherloc (09022015). Collection method: clinical testing. Allele origin: germline.
Comment: This variant is not present in population databases (gnomAD no frequency). This variant has not been reported in the literature in individuals affected with TRAF3-related conditions. ClinVar contains an entry for this variant (Variation ID: 1434573). Algorithms developed to predict the effect of missense changes on protein structure and function (SIFT, PolyPhen-2, Align-GVGD) all suggest that this variant is likely to be tolerated. In summary, the available evidence is currently insufficient to determine the role of this variant in disease. Therefore, it has been classified as a Variant of Uncertain Significance. This sequence change replaces lysine, which is basic and polar, with threonine, which is neutral and polar, at codon 87 of the TRAF3 protein (p.Lys87Thr).